The following is an entry in ClinVar:

ClinVar aggregate classification (germline): Uncertain significance. Review status: criteria provided, multiple submitters, no conflicts (2 of 4 stars). 2 submissions from 2 submitters: Uncertain significance (2). Last evaluated 2026-03-12.

Conditions:
Familial thoracic aortic aneurysm and aortic dissection (TAAD). Also called: Thoracic aortic aneurysms and dissections. Identifiers: Orphanet 91387, MedGen C4707243, MONDO:0019625.

Allele frequency attached by ClinVar (database versions not stated): gnomAD exomes below 0.00001.
gnomAD v4.1: 1 of 1,613,222 alleles (0.000062%); no homozygotes.

Submissions (2):

Ambry Genetics
Classification: Uncertain significance for Familial thoracic aortic aneurysm and aortic dissection. Last evaluated: 2026-03-12. Review status: criteria provided, single submitter. Criteria: Ambry Variant Classification Scheme 2023. Collection method: clinical testing. Allele origin: germline.
Comment: The p.N61T variant (also known as c.182A>C), located in coding exon 1 of the SMAD3 gene, results from an A to C substitution at nucleotide position 182. The asparagine at codon 61 is replaced by threonine, an amino acid with similar properties. This amino acid position is conserved. In addition, this alteration is predicted to be tolerated by in silico analysis. Based on the available evidence, the clinical significance of this variant remains unclear.

Labcorp Genetics (formerly Invitae), Labcorp
Classification: Uncertain significance for Familial thoracic aortic aneurysm and aortic dissection. Last evaluated: 2022-11-08. Review status: criteria provided, single submitter. Criteria: Invitae Variant Classification Sherloc (09022015). Collection method: clinical testing. Allele origin: germline.
Comment: This variant is not present in population databases (gnomAD no frequency). This sequence change replaces asparagine, which is neutral and polar, with threonine, which is neutral and polar, at codon 61 of the SMAD3 protein (p.Asn61Thr). This variant has not been reported in the literature in individuals affected with SMAD3-related conditions. In summary, the available evidence is currently insufficient to determine the role of this variant in disease. Therefore, it has been classified as a Variant of Uncertain Significance. Advanced modeling of protein sequence and biophysical properties (such as structural, functional, and spatial information, amino acid conservation, physicochemical variation, residue mobility, and thermodynamic stability) performed at Invitae indicates that this missense variant is not expected to disrupt SMAD3 protein function.

NM_005902.4(SMAD3):c.182A>C (p.Asn61Thr)

Gene: SMAD3 (SMAD family member 3; plus strand). Cytogenetic location: 15q22.33.
Variant type: single nucleotide variant.
Coding change: c.182A>C on transcript NM_005902.4 (MANE Select); coding-DNA position 182, A replaced by C.
Protein change: p.Asn61Thr; replaces asparagine 61 with threonine.
Molecular consequence: missense variant.
Genome position (GRCh38, 1-based): chr15:67,066,336, A>C. VCF-style: chr15-67066336-A-C. GRCh37 (hg19) VCF-style: chr15-67358674-A-C.
Other names: c.182A>C, p.Asn61Thr (NM_001407011.1, NM_001407012.1, NM_001407013.1); c.182A>C (NM_005902.3); short protein forms N61T.
Identifiers: ClinVar variation 2812801 (VCV002812801.4), dbSNP rs887166467, ClinGen allele CA393203074.